The following is an entry in ClinVar:

NM_018249.6(CDK5RAP2):c.2290G>C (p.Ala764Pro)

Gene: CDK5RAP2 (CDK5 regulatory subunit associated protein 2; minus strand). Cytogenetic location: 9q33.2.
Variant type: single nucleotide variant.
Coding change: c.2290G>C on transcript NM_018249.6 (MANE Select); coding-DNA position 2290, G replaced by C.
Protein change: p.Ala764Pro; replaces alanine 764 with proline.
Molecular consequence: missense variant. On other transcripts: non-coding transcript variant (5), intron variant (1).
Genome position (GRCh38, 1-based): chr9:120,458,535, C>G on the plus strand (G>C on the coding strand, the complement: CDK5RAP2 is on the minus strand). VCF-style: chr9-120458535-C-G. GRCh37 (hg19) VCF-style: chr9-123220813-C-G.
Other names: c.2290G>C, p.Ala764Pro (NM_001011649.3); c.2191G>C, p.Ala731Pro (NM_001410992.1); c.2194G>C, p.Ala732Pro (NM_001410993.1); c.2287G>C, p.Ala763Pro (NM_001410994.1); c.2103+9325G>C (NM_001272039.2); short protein forms A764P, A731P, A732P, A763P.
Identifiers: ClinVar variation 2403141 (VCV002403141.4), dbSNP rs746203438, ClinGen allele CA374703718.
Genomic context (GRCh38, chr9:120,458,535, plus strand): 5'-TCTCATTGAACAAAGGGGCAAGCAGGTTTATGAATGCACCTTCTTCTAGGCAGCCAGGTG[C>G]GTGGGCCCCATCACAATCTGAAATCTTAGACTCCGTGTGCCTTAAGTATCCATTTTTGCA-3'
Protein context (NP_060719.4, residues 754-774): SKISDCDGAH[Ala764Pro]PGCLEEGAFI

ClinVar aggregate classification (germline): Uncertain significance. Review status: criteria provided, multiple submitters, no conflicts (2 of 4 stars). 2 submissions from 2 submitters: Uncertain significance (2). Last evaluated 2024-03-27.

Conditions:
Inborn genetic diseases. Identifiers: MedGen C0950123, MeSH D030342.

gnomAD v4.1: 12 of 1,614,116 alleles (0.00074%); highest among the groups gnomAD compares: Admixed American, 0.018%; no homozygotes.

Submissions (2):

Labcorp Genetics (formerly Invitae), Labcorp
Classification: Uncertain significance. Last evaluated: 2024-03-27. Review status: criteria provided, single submitter. Criteria: Invitae Variant Classification Sherloc (09022015). Collection method: clinical testing. Allele origin: germline.
Comment: This sequence change replaces alanine, which is neutral and non-polar, with proline, which is neutral and non-polar, at codon 764 of the CDK5RAP2 protein (p.Ala764Pro). This variant is present in population databases (no rsID available, gnomAD 0.03%). This variant has not been reported in the literature in individuals affected with CDK5RAP2-related conditions. ClinVar contains an entry for this variant (Variation ID: 2403141). An algorithm developed to predict the effect of missense changes on protein structure and function (PolyPhen-2) suggests that this variant is likely to be tolerated. In summary, the available evidence is currently insufficient to determine the role of this variant in disease. Therefore, it has been classified as a Variant of Uncertain Significance.

Ambry Genetics
Classification: Uncertain significance for Inborn genetic diseases. Last evaluated: 2022-02-11. Review status: criteria provided, single submitter. Criteria: Ambry Variant Classification Scheme 2023. Collection method: clinical testing. Allele origin: germline.